The following is an entry in ClinVar:

NM_001130438.3(SPTAN1):c.6446A>G (p.Gln2149Arg)

Gene: SPTAN1 (spectrin alpha, non-erythrocytic 1; plus strand). Cytogenetic location: 9q34.11.
Variant type: single nucleotide variant.
Coding change: c.6446A>G on transcript NM_001130438.3 (MANE Select); coding-DNA position 6446, A replaced by G.
Protein change: p.Gln2149Arg; replaces glutamine 2149 with arginine.
Molecular consequence: missense variant.
Genome position (GRCh38, 1-based): chr9:128,626,557, A>G. VCF-style: chr9-128626557-A-G. GRCh37 (hg19) VCF-style: chr9-131388836-A-G.
Other names: c.6371A>G, p.Gln2124Arg (NM_001195532.2); c.6446A>G, p.Gln2149Arg (NM_001363759.2, NM_001375310.1, NM_001375311.2 and 1 more transcripts); c.6386A>G, p.Gln2129Arg (NM_001363765.2, NM_001375314.2); c.6482A>G, p.Gln2161Arg (NM_001375312.2, NM_001375318.1); c.6431A>G, p.Gln2144Arg (NM_003127.4); short protein forms Q2161R, Q2149R, Q2124R, Q2129R, Q2144R.
Identifiers: ClinVar variation 2064058 (VCV002064058.4), dbSNP rs1352801183, ClinGen allele CA375089008.

ClinVar aggregate classification (germline): Uncertain significance (1 of 4 stars; one submission).

Conditions:
Early-infantile DEE. Also called: Early infantile epileptic encephalopathy with suppression bursts; Early infantile epileptic encephalopathy; Ohtahara syndrome. Identifiers: Orphanet 1934, MedGen C0393706, MONDO:0800491.

gnomAD v4.1: 1 of 1,614,098 alleles (0.000062%); highest among the groups gnomAD compares: East Asian, 0.0022%; no homozygotes.

Submission:

Labcorp Genetics (formerly Invitae), Labcorp
Classification: Uncertain significance for Early-infantile DEE. Last evaluated: 2022-09-21. Review status: criteria provided, single submitter. Criteria: Invitae Variant Classification Sherloc (09022015). Collection method: clinical testing. Allele origin: germline.
Comment: Advanced modeling of protein sequence and biophysical properties (such as structural, functional, and spatial information, amino acid conservation, physicochemical variation, residue mobility, and thermodynamic stability) has been performed at Invitae for this missense variant, however the output from this modeling did not meet the statistical confidence thresholds required to predict the impact of this variant on SPTAN1 protein function. This variant has not been reported in the literature in individuals affected with SPTAN1-related conditions. This variant is present in population databases (no rsID available, gnomAD 0.006%). This sequence change replaces glutamine, which is neutral and polar, with arginine, which is basic and polar, at codon 2149 of the SPTAN1 protein (p.Gln2149Arg). In summary, the available evidence is currently insufficient to determine the role of this variant in disease. Therefore, it has been classified as a Variant of Uncertain Significance.